The following is an entry in ClinVar:

ClinVar aggregate classification (germline): Uncertain significance. Review status: criteria provided, multiple submitters, no conflicts (2 of 4 stars). 2 submissions from 2 submitters: Uncertain significance (2). Last evaluated 2025-07-02.

Conditions:
Hereditary cancer-predisposing syndrome. Also called: Neoplastic Syndromes, Hereditary; Tumor predisposition; Hereditary Cancer Syndrome; Hereditary neoplastic syndrome. Identifiers: Orphanet 140162, MedGen C0027672, MeSH D009386, MONDO:0015356.

Allele frequency attached by ClinVar (database versions not stated): gnomAD exomes below 0.00001; TOPMed 0.00001.
gnomAD v4.1: 1 of 1,614,082 alleles (0.000062%); highest among the groups gnomAD compares: South Asian, 0.0011%; no homozygotes.

Submissions (2):

Labcorp Genetics (formerly Invitae), Labcorp
Classification: Uncertain significance. Last evaluated: 2025-07-02. Review status: criteria provided, single submitter. Criteria: Invitae Variant Classification Sherloc (09022015). Collection method: clinical testing. Allele origin: germline.
Comment: This sequence change replaces leucine, which is neutral and non-polar, with proline, which is neutral and non-polar, at codon 134 of the MSH3 protein (p.Leu134Pro). This variant is not present in population databases (gnomAD no frequency). This variant has not been reported in the literature in individuals affected with MSH3-related conditions. ClinVar contains an entry for this variant (Variation ID: 1001387). An algorithm developed to predict the effect of missense changes on protein structure and function (PolyPhen-2) suggests that this variant is likely to be disruptive. In summary, the available evidence is currently insufficient to determine the role of this variant in disease. Therefore, it has been classified as a Variant of Uncertain Significance.

Ambry Genetics
Classification: Uncertain significance for Hereditary cancer-predisposing syndrome. Last evaluated: 2025-03-05. Review status: criteria provided, single submitter. Criteria: Ambry Variant Classification Scheme 2023. Collection method: clinical testing. Allele origin: germline.
Comment: The p.L134P variant (also known as c.401T>C), located in coding exon 3 of the MSH3 gene, results from a T to C substitution at nucleotide position 401. The leucine at codon 134 is replaced by proline, an amino acid with similar properties. This amino acid position is highly conserved in available vertebrate species. In addition, the in silico prediction for this alteration is inconclusive. Based on the available evidence, the clinical significance of this variant remains unclear.

NM_002439.5(MSH3):c.401T>C (p.Leu134Pro)

Gene: MSH3 (mutS homolog 3; plus strand). Cytogenetic location: 5q14.1.
Variant type: single nucleotide variant.
Coding change: c.401T>C on transcript NM_002439.5 (MANE Select); coding-DNA position 401, T replaced by C.
Protein change: p.Leu134Pro; replaces leucine 134 with proline.
Molecular consequence: missense variant.
Genome position (GRCh38, 1-based): chr5:80,665,185, T>C. VCF-style: chr5-80665185-T-C. GRCh37 (hg19) VCF-style: chr5-79961004-T-C.
Other names: short protein forms L134P.
Identifiers: ClinVar variation 1001387 (VCV001001387.12), dbSNP rs1749540955, ClinGen allele CA360263155.
Genomic context (GRCh38, chr5:80,665,185, plus strand): 5'-TCTTATTTGCTGCCTAAGAGCCAAAGAAATGTCTGAGGACCAGGAATGTTTCAAAGTCTC[T>C]GGAAAAATTGAAAGAATTCTGCTGCGATTCTGCCCTTCCTCAAAGTAGAGTCCAGACAGA-3'
Protein context (NP_002430.3, residues 124-144): CLRTRNVSKS[Leu134Pro]EKLKEFCCDS